The following is an entry in ClinVar:

NM_014874.4(MFN2):c.1292C>A (p.Ser431Ter)

Gene: MFN2 (mitofusin 2; plus strand). Cytogenetic location: 1p36.22.
Variant type: single nucleotide variant.
Coding change: c.1292C>A on transcript NM_014874.4 (MANE Select); coding-DNA position 1292, C replaced by A.
Protein change: p.Ser431Ter; replaces serine 431 with a stop codon.
Molecular consequence: nonsense.
Genome position (GRCh38, 1-based): chr1:12,004,513, C>A. VCF-style: chr1-12004513-C-A. GRCh37 (hg19) VCF-style: chr1-12064570-C-A.
Other names: c.1292C>A, p.Ser431Ter (NM_001127660.2); short protein forms S431*.
Identifiers: ClinVar variation 639842 (VCV000639842.6), dbSNP rs764374251, ClinGen allele CA338445767.
Genomic context (GRCh38, chr1:12,004,513, plus strand): 5'-CAGGAGTGAACTTTGGTCTTCCTTGATACTTAACAGTGTGCTTCCTTTTGCTGTAGGTGT[C>A]GACTGCAATGGCCGAGGAGATCAGGCGCCTCTCTGTACTGGTGGACGATTACCAGATGGA-3'

ClinVar aggregate classification (germline): Pathogenic (1 of 4 stars; one submission).

Conditions:
Charcot-Marie-Tooth disease type 2. Also called: Charcot-Marie-Tooth type 2. Identifiers: Orphanet 64746, MedGen C0270914, MONDO:0018993.

Submission:

Labcorp Genetics (formerly Invitae), Labcorp
Classification: Pathogenic for Charcot-Marie-Tooth disease type 2. Last evaluated: 2023-06-30. Review status: criteria provided, single submitter. Criteria: Invitae Variant Classification Sherloc (09022015). Collection method: clinical testing. Allele origin: germline.
Comment: This sequence change creates a premature translational stop signal (p.Ser431*) in the MFN2 gene. It is expected to result in an absent or disrupted protein product. Loss-of-function variants in MFN2 are known to be pathogenic (PMID: 16714318, 16835246, 21715711, 23781337, 26955893). This variant is not present in population databases (gnomAD no frequency). This variant has not been reported in the literature in individuals affected with MFN2-related conditions. ClinVar contains an entry for this variant (Variation ID: 639842). Algorithms developed to predict the effect of sequence changes on RNA splicing suggest that this variant may create or strengthen a splice site. For these reasons, this variant has been classified as Pathogenic.

Literature cited by the submitters: PubMed 16714318; PubMed 16835246; PubMed 21715711; PubMed 23781337; PubMed 26955893.